The following is an entry in ClinVar:

ClinVar aggregate classification (germline): Uncertain significance (1 of 4 stars; one submission).

Conditions:
RASopathy. Also called: Noonan spectrum disorder; rasopathies. Identifiers: Orphanet 536391, MedGen C5555857, MONDO:0021060.

Submission:

Labcorp Genetics (formerly Invitae), Labcorp
Classification: Uncertain significance for RASopathy. Last evaluated: 2022-08-09. Review status: criteria provided, single submitter. Criteria: Invitae Variant Classification Sherloc (09022015). Collection method: clinical testing. Allele origin: germline.
Comment: In summary, the available evidence is currently insufficient to determine the role of this variant in disease. Therefore, it has been classified as a Variant of Uncertain Significance. Algorithms developed to predict the effect of sequence changes on RNA splicing suggest that this variant may disrupt the consensus splice site. ClinVar contains an entry for this variant (Variation ID: 1487567). This variant has not been reported in the literature in individuals affected with MAP2K1-related conditions. This variant is not present in population databases (gnomAD no frequency). This sequence change affects an acceptor splice site in intron 8 of the MAP2K1 gene. It is expected to disrupt RNA splicing. Variants that disrupt the donor or acceptor splice site typically lead to a loss of protein function (PMID: 16199547), however the current clinical and genetic evidence is not sufficient to establish whether loss-of-function variants in MAP2K1 cause disease.

Literature cited by the submitters: PubMed 16199547.

NM_002755.4(MAP2K1):c.961-2A>G

Gene: MAP2K1 (mitogen-activated protein kinase kinase 1; plus strand). Cytogenetic location: 15q22.31.
Variant type: single nucleotide variant.
Coding change: c.961-2A>G on transcript NM_002755.4 (MANE Select); the canonical splice acceptor site of the intron before coding-DNA position 961, A replaced by G.
Molecular consequence: splice acceptor variant.
Genome position (GRCh38, 1-based): chr15:66,489,213, A>G. VCF-style: chr15-66489213-A-G. GRCh37 (hg19) VCF-style: chr15-66781551-A-G.
Other names: c.817-2A>G (NM_001411065.1).
Identifiers: ClinVar variation 1487567 (VCV001487567.8), dbSNP rs2140682916, ClinGen allele CA392938101.